The following is an entry in ClinVar:

NM_001349253.2(SCN11A):c.326T>C (p.Leu109Ser)

Gene: SCN11A (sodium voltage-gated channel alpha subunit 11; minus strand). Cytogenetic location: 3p22.2.
Variant type: single nucleotide variant.
Coding change: c.326T>C on transcript NM_001349253.2 (MANE Select); coding-DNA position 326, T replaced by C.
Protein change: p.Leu109Ser; replaces leucine 109 with serine.
Molecular consequence: missense variant.
Genome position (GRCh38, 1-based): chr3:38,946,849, A>G on the plus strand (T>C on the coding strand, the complement: SCN11A is on the minus strand). VCF-style: chr3-38946849-A-G. GRCh37 (hg19) VCF-style: chr3-38988340-A-G.
Other names: c.326T>C, p.Leu109Ser (NM_014139.3); short protein forms L109S.
Identifiers: ClinVar variation 1418107 (VCV001418107.6), dbSNP rs1553644031, ClinGen allele CA352175611.
Genomic context (GRCh38, chr3:38,946,849, plus strand): 5'-GAATGGACTGAGACTCTAATGGCTAAACTTCTGATTGAATTGAAAGGCCCAAAAATGAAC[A>G]AGGCATGCTTGGCACTGAAGCGGTAGATTGTCCTCTTTCTGTTTAACACCATAAATGTCT-3'
Protein context (NP_001336182.1, residues 99-119): TIYRFSAKHA[Leu109Ser]FIFGPFNSIR

ClinVar aggregate classification (germline): Uncertain significance (1 of 4 stars; one submission).

Conditions:
Hereditary sensory and autonomic neuropathy type 7. Also called: Neuropathy, hereditary sensory and autonomic, type VII; HSAN VII. Identifiers: Orphanet 391397, MedGen C3809882, MONDO:0014244, OMIM 615548.
Familial episodic pain syndrome with predominantly lower limb involvement. Also called: Episodic pain syndrome, familial, 3. Identifiers: Orphanet 391384, Orphanet 391392, MedGen C3809899, MONDO:0014247, OMIM 615552.

Allele frequency attached by ClinVar (database versions not stated): gnomAD exomes 0.00001.
gnomAD v4.1: 13 of 1,613,792 alleles (0.00081%); highest among the groups gnomAD compares: Non-Finnish European, 0.0011%; no homozygotes.

Submission:

Labcorp Genetics (formerly Invitae), Labcorp
Classification: Uncertain significance for Familial episodic pain syndrome with predominantly lower limb involvement; Hereditary sensory and autonomic neuropathy type 7. Last evaluated: 2021-08-21. Review status: criteria provided, single submitter. Criteria: Invitae Variant Classification Sherloc (09022015). Collection method: clinical testing. Allele origin: germline.
Comment: This sequence change replaces leucine with serine at codon 109 of the SCN11A protein (p.Leu109Ser). The leucine residue is highly conserved and there is a large physicochemical difference between leucine and serine. This variant is not present in population databases (ExAC no frequency). This variant has not been reported in the literature in individuals affected with SCN11A-related conditions. Algorithms developed to predict the effect of missense changes on protein structure and function (SIFT, PolyPhen-2, Align-GVGD) all suggest that this variant is likely to be disruptive. In summary, the available evidence is currently insufficient to determine the role of this variant in disease. Therefore, it has been classified as a Variant of Uncertain Significance.